The following is an entry in ClinVar:

NM_001374353.1(GLI2):c.4094G>A (p.Arg1365His)

Gene: GLI2 (GLI family zinc finger 2; plus strand). Cytogenetic location: 2q14.2.
Variant type: single nucleotide variant.
Coding change: c.4094G>A on transcript NM_001374353.1 (MANE Select); coding-DNA position 4094, G replaced by A.
Protein change: p.Arg1365His; replaces arginine 1365 with histidine.
Molecular consequence: missense variant.
Genome position (GRCh38, 1-based): chr2:120,990,059, G>A. VCF-style: chr2-120990059-G-A. GRCh37 (hg19) VCF-style: chr2-121747635-G-A.
Other names: c.4145G>A, p.Arg1382His (NM_001371271.1, NM_005270.5); c.3719G>A, p.Arg1240His (NM_001374354.1); short protein forms R1382H, R1240H, R1365H.
Identifiers: ClinVar variation 893443 (VCV000893443.29), dbSNP rs200080112, ClinGen allele CA1852550.

ClinVar aggregate classification (germline): Conflicting classifications of pathogenicity. Review status: criteria provided, conflicting classifications (1 of 4 stars). 7 submissions from 7 submitters: Uncertain significance (2); Likely benign (3). 2 of the submissions do not count toward it. Last evaluated 2025-12-23.

Conditions:
Inborn genetic diseases. Identifiers: MedGen C0950123, MeSH D030342.
Postaxial polydactyly-anterior pituitary anomalies-facial dysmorphism syndrome. Also called: Culler-Jones syndrome. Identifiers: Orphanet 420584, MedGen C4014479, MONDO:0014369, OMIM 615849.
Holoprosencephaly 9 (HPE9). Also called: HOLOPROSENCEPHALY WITH MICROPHTHALMIA AND FIRST BRANCHIAL ARCH ANOMALIES; PITUITARY ANOMALIES WITH HOLOPROSENCEPHALY-LIKE FEATURES. Identifiers: Orphanet 2162, MedGen C1835819, MONDO:0012563, OMIM 610829.

Allele frequency attached by ClinVar (database versions not stated): ESP Exome Variant Server 0.00015; gnomAD 0.00015; gnomAD exomes 0.00017; ExAC 0.00019; TOPMed 0.00019.
gnomAD v4.1: 278 of 1,600,354 alleles (0.017%); highest among the groups gnomAD compares: Non-Finnish European, 0.022%; no homozygotes.

Submissions (7):

Women's Health and Genetics/Laboratory Corporation of America, LabCorp
Classification: Uncertain significance. Last evaluated: 2025-12-23. Review status: criteria provided, single submitter. Criteria: LabCorp Variant Classification Summary - May 2015. Collection method: clinical testing. Allele origin: germline.
Comment: Variant summary: GLI2 c.4145G>A (p.Arg1382His) results in a non-conservative amino acid change in the encoded protein sequence. Algorithms developed to predict the effect of missense changes on protein structure and function are either unavailable or do not agree on the potential impact of this missense change. The variant allele was found at a frequency of 0.00017 in 232996 control chromosomes (gnomAD). This frequency is not significantly higher than estimated for disease-causing variants in GLI2, allowing no conclusion about variant significance. c.4145G>A has been observed in individuals affected with Pituitary stalk interruption syndrome or Maturity Onset Diabetes of the Young (Zwaveling-Soonawala_2018, Enders-Seidlitz_2024). These reports do not provide unequivocal conclusions about association of the variant with GLI2-Related Disorders. To our knowledge, no experimental evidence demonstrating an impact on protein function has been reported. The following publications have been ascertained in the context of this evaluation (PMID: 38550917, 29165578). ClinVar contains an entry for this variant (Variation ID: 893443). Based on the evidence outlined above, the variant was classified as uncertain significance.

Labcorp Genetics (formerly Invitae), Labcorp
Classification: Uncertain significance for Postaxial polydactyly-anterior pituitary anomalies-facial dysmorphism syndrome; Holoprosencephaly 9. Last evaluated: 2025-09-17. Review status: criteria provided, single submitter. Criteria: Invitae Variant Classification Sherloc (09022015). Collection method: clinical testing. Allele origin: germline.
Comment: This sequence change replaces arginine, which is basic and polar, with histidine, which is basic and polar, at codon 1382 of the GLI2 protein (p.Arg1382His). This variant is present in population databases (rs200080112, gnomAD 0.03%), and has an allele count higher than expected for a pathogenic variant. This missense change has been observed in individual(s) with clinical features of GLI2-related conditions (PMID: 29165578). ClinVar contains an entry for this variant (Variation ID: 893443). Invitae Evidence Modeling of protein sequence and biophysical properties (such as structural, functional, and spatial information, amino acid conservation, physicochemical variation, residue mobility, and thermodynamic stability) indicates that this missense variant is not expected to disrupt GLI2 protein function with a negative predictive value of 80%. In summary, the available evidence is currently insufficient to determine the role of this variant in disease. Therefore, it has been classified as a Variant of Uncertain Significance.

CeGaT Center for Human Genetics Tuebingen
Classification: Likely benign. Last evaluated: 2025-02-01. Review status: criteria provided, single submitter. Criteria: CeGaT Center For Human Genetics Tuebingen Variant Classification Criteria Version 2. Collection method: clinical testing. Allele origin: germline. Affected: yes. Observed: 2 variant alleles.
Comment: GLI2: BP4, BS2

Ambry Genetics
Classification: Likely benign for Inborn genetic diseases. Last evaluated: 2021-12-19. Review status: criteria provided, single submitter. Criteria: Ambry Variant Classification Scheme 2023. Collection method: clinical testing. Allele origin: germline.

Illumina Laboratory Services, Illumina
Classification: Likely benign for Holoprosencephaly 9. Last evaluated: 2018-01-12. Review status: criteria provided, single submitter. Criteria: ICSL Variant Classification Criteria 13 December 2019. Collection method: clinical testing. Allele origin: germline.
Comment: This variant was observed in the ICSL laboratory as part of a predisposition screen in an ostensibly healthy population. It had not been previously curated by ICSL or reported in the Human Gene Mutation Database (HGMD: prior to June 1st, 2018), and was therefore a candidate for classification through an automated scoring system. Utilizing variant allele frequency, disease prevalence and penetrance estimates, and inheritance mode, an automated score was calculated to assess if this variant is too frequent to cause the disease. Based on the score and internal cut-off values, a variant classified as likely benign is not then subjected to further curation. The score for this variant resulted in a classification of likely benign for this disease.

Clinical Genetics DNA and cytogenetics Diagnostics Lab, Erasmus MC, Erasmus Medical Center
Classification: Likely benign. Review status: no assertion criteria provided. Collection method: clinical testing. Allele origin: germline. Affected: yes. Study: VKGL Data-share Consensus. Not counted in ClinVar's aggregate classification.

Diagnostic Laboratory, Department of Genetics, University Medical Center Groningen
Classification: Likely benign. Review status: no assertion criteria provided. Collection method: clinical testing. Allele origin: germline. Affected: yes. Study: VKGL Data-share Consensus. Not counted in ClinVar's aggregate classification.

Literature cited by the submitters: PubMed 29165578 (cited by Women's Health and Genetics/Laboratory Corporation of America, LabCorp and Labcorp Genetics (formerly Invitae), Labcorp); PubMed 38550917 (cited by Women's Health and Genetics/Laboratory Corporation of America, LabCorp).